The following is an entry in ClinVar:

NM_014946.4(SPAST):c.683-631G>A

Gene: SPAST (spastin; plus strand). Cytogenetic location: 2p22.3.
Variant type: single nucleotide variant.
Coding change: c.683-631G>A on transcript NM_014946.4 (MANE Select); 631 bases into the intron before coding-DNA position 683, G replaced by A.
Molecular consequence: intron variant.
Genome position (GRCh38, 1-based): chr2:32,114,007, G>A. VCF-style: chr2-32114007-G-A. GRCh37 (hg19) VCF-style: chr2-32339076-G-A.
Other names: c.587-631G>A (NM_199436.2, NM_001377959.1); c.680-631G>A (NM_001363823.2); c.584-631G>A (NM_001363875.2).
Identifiers: ClinVar variation 4281115 (VCV004281115.7).

ClinVar aggregate classification (germline): Likely benign (1 of 4 stars; one submission).

gnomAD v4.1: 118 of 151,086 alleles (0.078%); highest among the groups gnomAD compares: Non-Finnish European, 0.14%; no homozygotes.

Submission:

CeGaT Center for Human Genetics Tuebingen
Classification: Likely benign. Last evaluated: 2026-08-01. Review status: criteria provided, single submitter. Criteria: CeGaT Center For Human Genetics Tuebingen Variant Classification Criteria Version 2. Collection method: clinical testing. Allele origin: germline. Affected: yes. Observed: 2 variant alleles.
Comment: SPAST: BS1